The following is an entry in ClinVar:

NM_002047.4(GARS1):c.837C>A (p.Asn279Lys)

Gene: GARS1 (glycyl-tRNA synthetase 1; plus strand). Cytogenetic location: 7p14.3.
Variant type: single nucleotide variant.
Coding change: c.837C>A on transcript NM_002047.4 (MANE Select); coding-DNA position 837, C replaced by A.
Protein change: p.Asn279Lys; replaces asparagine 279 with lysine.
Molecular consequence: missense variant.
Genome position (GRCh38, 1-based): chr7:30,609,686, C>A. VCF-style: chr7-30609686-C-A. GRCh37 (hg19) VCF-style: chr7-30649302-C-A.
Other names: c.675C>A, p.Asn225Lys (NM_001316772.1); short protein forms N279K, N225K.
Identifiers: ClinVar variation 2733401 (VCV002733401.3), dbSNP rs1029686290, ClinGen allele CA367124552.

ClinVar aggregate classification (germline): Uncertain significance (1 of 4 stars; one submission).

Conditions:
Charcot-Marie-Tooth disease type 2. Also called: Charcot-Marie-Tooth type 2. Identifiers: Orphanet 64746, MedGen C0270914, MONDO:0018993.

gnomAD v4.1: 3 of 1,613,480 alleles (0.00019%); highest among the groups gnomAD compares: Non-Finnish European, 0.00025%; no homozygotes.

Submission:

Labcorp Genetics (formerly Invitae), Labcorp
Classification: Uncertain significance for Charcot-Marie-Tooth disease type 2. Last evaluated: 2024-04-10. Review status: criteria provided, single submitter. Criteria: Invitae Variant Classification Sherloc (09022015). Collection method: clinical testing. Allele origin: germline.
Comment: This sequence change replaces asparagine, which is neutral and polar, with lysine, which is basic and polar, at codon 279 of the GARS protein (p.Asn279Lys). This variant is present in population databases (no rsID available, gnomAD 0.0009%). This variant has not been reported in the literature in individuals affected with GARS-related conditions. Advanced modeling of protein sequence and biophysical properties (such as structural, functional, and spatial information, amino acid conservation, physicochemical variation, residue mobility, and thermodynamic stability) has been performed at Invitae for this missense variant, however the output from this modeling did not meet the statistical confidence thresholds required to predict the impact of this variant on GARS protein function. In summary, the available evidence is currently insufficient to determine the role of this variant in disease. Therefore, it has been classified as a Variant of Uncertain Significance.